The following is an entry in ClinVar:

ClinVar aggregate classification (germline): Uncertain significance (1 of 4 stars; one submission).

Conditions:
Charcot-Marie-Tooth disease type 2E (CMT2E). Also called: CHARCOT-MARIE-TOOTH NEUROPATHY, TYPE 2E; CHARCOT-MARIE-TOOTH DISEASE, AXONAL, TYPE 2E. Identifiers: Orphanet 99939, MedGen C1843225, MONDO:0011894, OMIM 607684.

Submission:

Labcorp Genetics (formerly Invitae), Labcorp
Classification: Uncertain significance for Charcot-Marie-Tooth disease type 2E. Last evaluated: 2023-05-22. Review status: criteria provided, single submitter. Criteria: Invitae Variant Classification Sherloc (09022015). Collection method: clinical testing. Allele origin: germline.
Comment: This variant is not present in population databases (gnomAD no frequency). This sequence change replaces glutamine, which is neutral and polar, with proline, which is neutral and non-polar, at codon 141 of the NEFL protein (p.Gln141Pro). This variant has not been reported in the literature in individuals affected with NEFL-related conditions. In summary, the available evidence is currently insufficient to determine the role of this variant in disease. Therefore, it has been classified as a Variant of Uncertain Significance. Advanced modeling of protein sequence and biophysical properties (such as structural, functional, and spatial information, amino acid conservation, physicochemical variation, residue mobility, and thermodynamic stability) performed at Invitae indicates that this missense variant is not expected to disrupt NEFL protein function.

NM_006158.5(NEFL):c.422A>C (p.Gln141Pro)

Gene: NEFL (neurofilament light chain; minus strand). Cytogenetic location: 8p21.2.
Variant type: single nucleotide variant.
Coding change: c.422A>C on transcript NM_006158.5 (MANE Select); coding-DNA position 422, A replaced by C.
Protein change: p.Gln141Pro; replaces glutamine 141 with proline.
Molecular consequence: missense variant.
Genome position (GRCh38, 1-based): chr8:24,956,094, T>G on the plus strand (A>C on the coding strand, the complement: NEFL is on the minus strand). VCF-style: chr8-24956094-T-G. GRCh37 (hg19) VCF-style: chr8-24813608-T-G.
Other names: short protein forms Q141P.
Identifiers: ClinVar variation 2867112 (VCV002867112.3), dbSNP rs2486887490, ClinGen allele CA370622442.